The following is an entry in ClinVar:

NM_001360016.2(G6PD):c.598G>A (p.Asp200Asn)

Gene: G6PD (glucose-6-phosphate dehydrogenase; minus strand). Cytogenetic location: Xq28.
Variant type: single nucleotide variant.
Coding change: c.598G>A on transcript NM_001360016.2 (MANE Select); coding-DNA position 598, G replaced by A.
Protein change: p.Asp200Asn; replaces aspartic acid 200 with asparagine.
Molecular consequence: missense variant.
Genome position (GRCh38, 1-based): chrX:154,534,384, C>T on the plus strand (G>A on the coding strand, the complement: G6PD is on the minus strand). VCF-style: chrX-154534384-C-T. GRCh37 (hg19) VCF-style: chrX-153762599-C-T.
Other names: c.688G>A, p.Asp230Asn (NM_000402.4); c.598G>A, p.Asp200Asn (NM_001042351.3); short protein forms D200N, D230N.
Identifiers: ClinVar variation 1722744 (VCV001722744.2), dbSNP rs782514319, ClinGen allele CA10566207.

ClinVar aggregate classification (germline): Likely pathogenic (1 of 4 stars; one submission).

Conditions:
Anemia, nonspherocytic hemolytic, due to G6PD deficiency (CNSHA1). Also called: Hemolytic anemia due to G6PD deficiency; Class I glucose-6-phosphate dehydrogenase deficiency; Favism, susceptibility to; ANEMIA, CONGENITAL, NONSPHEROCYTIC HEMOLYTIC, 1. Identifiers: Orphanet 466026, MedGen C2720289, MONDO:0010480, OMIM 300908.

Allele frequency attached by ClinVar (database versions not stated): gnomAD exomes below 0.00001; ExAC 0.00001.
gnomAD v4.1: 1 of 1,211,505 alleles (0.000083%); highest among the groups gnomAD compares: Non-Finnish European, 0.00011%; no homozygotes.

Submission:

Dunham Lab, University of Washington
Classification: Likely pathogenic for Anemia, nonspherocytic hemolytic, due to G6PD deficiency. Last evaluated: 2022-08-12. Review status: criteria provided, single submitter. Criteria: Bayesian ACMG Guidelines, 2018. Collection method: curation. Allele origin: unknown.
Comment: Variant alters substrate binding site (PM1) and leads to decreased activity when expressed in S. cerevisiae (PS3_M). Below expected carrier frequency in gnomAD (PM2). Post_P 0.900 (odds of pathogenicity 81.2, Prior_P 0.1).

Literature cited by the submitters: PubMed 16193512; PubMed 31294066.